The following is an entry in ClinVar:

ClinVar aggregate classification (germline): Conflicting classifications of pathogenicity. Review status: criteria provided, conflicting classifications (1 of 4 stars). 2 submissions from 2 submitters: Uncertain significance (1); Likely benign (1). Last evaluated 2023-08-14.

Conditions:
USP9X-related disorder. Also called: USP9X-related condition.

Allele frequency attached by ClinVar (database versions not stated): gnomAD exomes below 0.00001; ExAC 0.00001; TOPMed 0.00001.
gnomAD v4.1: 5 of 1,196,906 alleles (0.00042%); highest among the groups gnomAD compares: Middle Eastern, 0.046%; no homozygotes.

Submissions (2):

PreventionGenetics, part of Exact Sciences
Classification: Uncertain significance for USP9X-related condition. Last evaluated: 2023-08-14. Review status: criteria provided, single submitter. Criteria: ACMG Guidelines, 2015. Collection method: clinical testing. Allele origin: germline.
Comment: The USP9X c.2415A>G variant is not predicted to result in an amino acid change (p.=). To our knowledge, this variant has not been reported in the literature. This variant is reported in 0.0076% of alleles in individuals of East Asian descent in gnomAD including two hemizygous individuals. Although we suspect that this variant may be benign, at this time, the clinical significance of this variant is uncertain due to the absence of conclusive functional and genetic evidence.

CeGaT Center for Human Genetics Tuebingen
Classification: Likely benign. Last evaluated: 2023-05-01. Review status: criteria provided, single submitter. Criteria: CeGaT Center For Human Genetics Tuebingen Variant Classification Criteria Version 2. Collection method: clinical testing. Allele origin: germline. Affected: yes. Observed: 1 variant allele.
Comment: USP9X: BP4, BP7

NM_001039591.3(USP9X):c.2415A>G (p.Gln805=)

Gene: USP9X (ubiquitin specific peptidase 9 X-linked; plus strand). Cytogenetic location: Xp11.4.
Variant type: single nucleotide variant.
Coding change: c.2415A>G on transcript NM_001039591.3 (MANE Select); coding-DNA position 2415, A replaced by G.
Protein change: p.Gln805=; no amino-acid change (glutamine 805 retained).
Molecular consequence: synonymous variant.
Genome position (GRCh38, 1-based): chrX:41,167,568, A>G. VCF-style: chrX-41167568-A-G. GRCh37 (hg19) VCF-style: chrX-41026821-A-G.
Other names: c.2415A>G, p.Gln805= (NM_001039590.3); c.2430A>G, p.Gln810= (NM_001410748.1, NM_001410749.1).
Identifiers: ClinVar variation 2636533 (VCV002636533.24), dbSNP rs760373107, ClinGen allele CA10388549.